The following is an entry in ClinVar:

NM_178014.4(TUBB):c.1309G>A (p.Gly437Ser)

Gene: TUBB (tubulin beta class I; plus strand). Cytogenetic location: 6p21.33.
Variant type: single nucleotide variant.
Coding change: c.1309G>A on transcript NM_178014.4 (MANE Select); coding-DNA position 1309, G replaced by A.
Protein change: p.Gly437Ser; replaces glycine 437 with serine.
Molecular consequence: missense variant. On other transcripts: non-coding transcript variant (1).
Genome position (GRCh38, 1-based): chr6:30,724,371, G>A. VCF-style: chr6-30724371-G-A. GRCh37 (hg19) VCF-style: chr6-30692148-G-A.
Other names: c.1369G>A, p.Gly457Ser (NM_001293212.2); c.703G>A, p.Gly235Ser (NM_001293213.2); c.1177G>A, p.Gly393Ser (NM_001293214.2); c.1093G>A, p.Gly365Ser (NM_001293215.2, NM_001293216.2); short protein forms G437S, G365S, G457S, G235S, G393S.
Identifiers: ClinVar variation 382889 (VCV000382889.4), dbSNP rs760014512, ClinGen allele CA3703589.

ClinVar aggregate classification (germline): Likely benign (1 of 4 stars; one submission).

Allele frequency attached by ClinVar (database versions not stated): ExAC 0.00003; gnomAD 0.00003; gnomAD exomes 0.00005; TOPMed 0.00005.
gnomAD v4.1: 119 of 1,612,032 alleles (0.0074%); highest among the groups gnomAD compares: Non-Finnish European, 0.0096%; no homozygotes.

Submission:

GeneDx
Classification: Likely benign. Last evaluated: 2020-09-17. Review status: criteria provided, single submitter. Criteria: GeneDx Variant Classification Process June 2021. Collection method: clinical testing. Allele origin: germline. Affected: yes.
Comment: This variant is associated with the following publications: (PMID: 20103599, 15003198, 12114401)